The following is an entry in ClinVar:

NM_000834.5(GRIN2B):c.3081C>A (p.Leu1027=)

Gene: GRIN2B (glutamate ionotropic receptor NMDA type subunit 2B; minus strand). Cytogenetic location: 12p13.1.
Variant type: single nucleotide variant.
Coding change: c.3081C>A on transcript NM_000834.5 (MANE Select); coding-DNA position 3081, C replaced by A.
Protein change: p.Leu1027=; no amino-acid change (leucine 1027 retained).
Molecular consequence: synonymous variant.
Genome position (GRCh38, 1-based): chr12:13,564,157, G>T on the plus strand (C>A on the coding strand, the complement: GRIN2B is on the minus strand). VCF-style: chr12-13564157-G-T. GRCh37 (hg19) VCF-style: chr12-13717091-G-T.
Identifiers: ClinVar variation 681168 (VCV000681168.4), dbSNP rs200887288, ClinGen allele CA6460948.
Genomic context (GRCh38, chr12:13,564,157, plus strand): 5'-GTCGCTCTTGAAGGAGAATTTGCCGTACAGGTCACTGAGCTGGCTGTGCTTGGAGGAGGG[G>T]AGGCCGATGTCCAGGGGCTTCTTGCTGATGGACCTGGACTGGGTGGTGAAGGGTGGGTTG-3'
Protein context (NP_000825.2, residues 1017-1037): SISKKPLDIG[Leu1027=]PSSKHSQLSD

ClinVar aggregate classification (germline): Likely benign. Review status: criteria provided, multiple submitters, no conflicts (2 of 4 stars). 2 submissions from 2 submitters: Likely benign (2). Last evaluated 2025-09-03.

Conditions:
Intellectual developmental disorder, autosomal dominant 6, with or without seizures. Also called: Intellectual disability, autosomal dominant 6; GRIN2B-related developmental delay, intellectual disability and autism spectrum disorder. Identifiers: Orphanet 589547, MedGen C3151411, MONDO:0013509, OMIM 613970.
Developmental and epileptic encephalopathy, 27 (DEE27). Also called: GRIN2B-Related Neurodevelopmental Disorder; Epileptic encephalopathy, early infantile, 27. Identifiers: Orphanet 3451, MedGen C4015316, MONDO:0014505, OMIM 616139.

Allele frequency attached by ClinVar (database versions not stated): ExAC 0.00001; TOPMed 0.00001; gnomAD exomes 0.00001.
gnomAD v4.1: 2 of 1,614,164 alleles (0.00012%); highest among the groups gnomAD compares: Admixed American, 0.0033%; no homozygotes.

Submissions (2):

Labcorp Genetics (formerly Invitae), Labcorp
Classification: Likely benign for Developmental and epileptic encephalopathy, 27; Intellectual developmental disorder, autosomal dominant 6, with or without seizures. Last evaluated: 2025-09-03. Review status: criteria provided, single submitter. Criteria: Invitae Variant Classification Sherloc (09022015). Collection method: clinical testing. Allele origin: germline.

GeneDx
Classification: Likely benign. Last evaluated: 2018-03-29. Review status: criteria provided, single submitter. Criteria: GeneDx Variant Classification (06012015). Collection method: clinical testing. Allele origin: germline. Affected: yes.
Comment: This variant is considered likely benign or benign based on one or more of the following criteria: it is a conservative change, it occurs at a poorly conserved position in the protein, it is predicted to be benign by multiple in silico algorithms, and/or has population frequency not consistent with disease.